The following is an entry in ClinVar:

NM_020442.6(VARS2):c.2124C>T (p.His708=)

Genes: VARS2 (valyl-tRNA synthetase 2, mitochondrial; plus strand), LOC126859646 (MED14-independent group 3 enhancer GRCh37_chr6:30889690-30890889; plus strand). Cytogenetic location: 6p21.33.
Variant type: single nucleotide variant.
Coding change: c.2124C>T on transcript NM_020442.6 (MANE Select); coding-DNA position 2124, C replaced by T.
Protein change: p.His708=; no amino-acid change (histidine 708 retained).
Molecular consequence: synonymous variant.
Genome position (GRCh38, 1-based): chr6:30,922,915, C>T. VCF-style: chr6-30922915-C-T. GRCh37 (hg19) VCF-style: chr6-30890692-C-T.
Other names: c.1704C>T, p.His568= (NM_001167733.3); c.2214C>T, p.His738= (NM_001167734.2).
Identifiers: ClinVar variation 680354 (VCV000680354.4), dbSNP rs769418161, ClinGen allele CA3706185.

ClinVar aggregate classification (germline): Likely benign. Review status: criteria provided, multiple submitters, no conflicts (2 of 4 stars). 2 submissions from 2 submitters: Likely benign (2). Last evaluated 2026-01-12.

Allele frequency attached by ClinVar (database versions not stated): gnomAD exomes 0.00001 and 0.00003; gnomAD 0.00003; ExAC 0.00002; TOPMed 0.00001.

Submissions (2):

Labcorp Genetics (formerly Invitae), Labcorp
Classification: Likely benign. Last evaluated: 2026-01-12. Review status: criteria provided, single submitter. Criteria: Invitae Variant Classification Sherloc (09022015). Collection method: clinical testing. Allele origin: germline.

GeneDx
Classification: Likely benign. Last evaluated: 2018-03-19. Review status: criteria provided, single submitter. Criteria: GeneDx Variant Classification (06012015). Collection method: clinical testing. Allele origin: germline. Affected: yes.
Comment: This variant is considered likely benign or benign based on one or more of the following criteria: it is a conservative change, it occurs at a poorly conserved position in the protein, it is predicted to be benign by multiple in silico algorithms, and/or has population frequency not consistent with disease.